The following is an entry in ClinVar:

NM_021072.4(HCN1):c.576G>A (p.Met192Ile)

Gene: HCN1 (hyperpolarization activated cyclic nucleotide gated potassium channel 1; minus strand). Cytogenetic location: 5p12.
Variant type: single nucleotide variant.
Coding change: c.576G>A on transcript NM_021072.4 (MANE Select); coding-DNA position 576, G replaced by A.
Protein change: p.Met192Ile; replaces methionine 192 with isoleucine.
Molecular consequence: missense variant.
Genome position (GRCh38, 1-based): chr5:45,645,458, C>T on the plus strand (G>A on the coding strand, the complement: HCN1 is on the minus strand). VCF-style: chr5-45645458-C-T. GRCh37 (hg19) VCF-style: chr5-45645560-C-T.
Other names: short protein forms M192I.
Identifiers: ClinVar variation 3377933 (VCV003377933.1).

ClinVar aggregate classification (germline): Uncertain significance (1 of 4 stars; one submission).

Submission:

GeneDx
Classification: Uncertain significance. Last evaluated: 2024-05-15. Review status: criteria provided, single submitter. Criteria: GeneDx Variant Classification Process June 2021. Collection method: clinical testing. Allele origin: germline. Affected: yes.
Comment: Not observed at significant frequency in large population cohorts (gnomAD); In silico analysis indicates that this missense variant does not alter protein structure/function; Has not been previously published as pathogenic or benign to our knowledge